The following is an entry in ClinVar:

NM_017849.4(TMEM127):c.22G>A (p.Gly8Arg)

Genes: TMEM127 (transmembrane protein 127; minus strand), LOC129934333 (ATAC-STARR-seq lymphoblastoid silent region 11759; plus strand). Cytogenetic location: 2q11.2.
Variant type: single nucleotide variant.
Coding change: c.22G>A on transcript NM_017849.4 (MANE Select); coding-DNA position 22, G replaced by A.
Protein change: p.Gly8Arg; replaces glycine 8 with arginine.
Molecular consequence: missense variant. On other transcripts: intron variant (1).
Genome position (GRCh38, 1-based): chr2:96,265,360, C>T on the plus strand (G>A on the coding strand, the complement: TMEM127 is on the minus strand). VCF-style: chr2-96265360-C-T. GRCh37 (hg19) VCF-style: chr2-96931098-C-T.
Other names: c.22G>A, p.Gly8Arg (NM_001193304.3); c.-9+509G>A (NM_001407283.1); short protein forms G8R.
Identifiers: ClinVar variation 5030918 (VCV005030918.1).

ClinVar aggregate classification (germline): Uncertain significance (1 of 4 stars; one submission).

Conditions:
Hereditary cancer-predisposing syndrome. Also called: Neoplastic Syndromes, Hereditary; Tumor predisposition; Hereditary neoplastic syndrome; Hereditary Cancer Syndrome. Identifiers: Orphanet 140162, MedGen C0027672, MeSH D009386, MONDO:0015356.

Submission:

Ambry Genetics
Classification: Uncertain significance for Hereditary cancer-predisposing syndrome. Last evaluated: 2026-07-07. Review status: criteria provided, single submitter. Criteria: Ambry Variant Classification Scheme 2023. Collection method: clinical testing. Allele origin: germline.
Comment: The p.G8R variant (also known as c.22G>A), located in coding exon 1 of the TMEM127 gene, results from a G to A substitution at nucleotide position 22. The glycine at codon 8 is replaced by arginine, an amino acid with dissimilar properties. This amino acid position is conserved. In addition, the in silico prediction for this alteration is inconclusive. Based on the available evidence, the clinical significance of this variant remains unclear.